The following is an entry in ClinVar:

NM_006231.4(POLE):c.4394T>G (p.Leu1465Arg)

Gene: POLE (DNA polymerase epsilon, catalytic subunit; minus strand). Cytogenetic location: 12q24.33.
Variant type: single nucleotide variant.
Coding change: c.4394T>G on transcript NM_006231.4 (MANE Select); coding-DNA position 4394, T replaced by G.
Protein change: p.Leu1465Arg; replaces leucine 1465 with arginine.
Molecular consequence: missense variant.
Genome position (GRCh38, 1-based): chr12:132,643,457, A>C on the plus strand (T>G on the coding strand, the complement: POLE is on the minus strand). VCF-style: chr12-132643457-A-C. GRCh37 (hg19) VCF-style: chr12-133220043-A-C.
Other names: short protein forms L1465R.
Identifiers: ClinVar variation 1740253 (VCV001740253.2), dbSNP rs2042202503, ClinGen allele CA387381134.

ClinVar aggregate classification (germline): Uncertain significance (1 of 4 stars; one submission).

Conditions:
Hereditary cancer-predisposing syndrome. Also called: Hereditary Cancer Syndrome; Hereditary neoplastic syndrome; Neoplastic Syndromes, Hereditary; Tumor predisposition. Identifiers: Orphanet 140162, MedGen C0027672, MeSH D009386, MONDO:0015356.

Allele frequency attached by ClinVar (database versions not stated): gnomAD 0.00001.
gnomAD v4.1: 1 of 1,614,104 alleles (0.000062%); highest among the groups gnomAD compares: African/African-American, 0.0013%; no homozygotes.

Submission:

Ambry Genetics
Classification: Uncertain significance for Hereditary cancer-predisposing syndrome. Last evaluated: 2022-01-31. Review status: criteria provided, single submitter. Criteria: Ambry Variant Classification Scheme 2023. Collection method: clinical testing. Allele origin: germline.
Comment: The p.L1465R variant (also known as c.4394T>G), located in coding exon 34 of the POLE gene, results from a T to G substitution at nucleotide position 4394. The leucine at codon 1465 is replaced by arginine, an amino acid with dissimilar properties. This amino acid position is conserved. In addition, the in silico prediction for this alteration is inconclusive. Since supporting evidence is limited at this time, the clinical significance of this alteration remains unclear.